The following is an entry in ClinVar:

ClinVar aggregate classification (germline): Conflicting classifications of pathogenicity. Review status: criteria provided, conflicting classifications (1 of 4 stars). 4 submissions from 4 submitters: Uncertain significance (3); Likely benign (1). Last evaluated 2024-10-28.

Conditions:
Primary ciliary dyskinesia. Also called: Ciliary dyskinesia. Identifiers: Orphanet 244, MedGen C0008780, MONDO:0016575, HP:0012265.

Allele frequency attached by ClinVar (database versions not stated): gnomAD 0.00001; gnomAD exomes 0.00002; TOPMed 0.00005.
gnomAD v4.1: 39 of 1,611,052 alleles (0.0024%); highest among the groups gnomAD compares: East Asian, 0.027%; no homozygotes.

Submissions (4):

Blueprint Genetics
Classification: Likely benign. Last evaluated: 2024-10-28. Review status: criteria provided, single submitter. Criteria: ACMG Guidelines, 2015. Collection method: clinical testing. Allele origin: germline.

GeneDx
Classification: Uncertain significance. Last evaluated: 2024-10-14. Review status: criteria provided, single submitter. Criteria: GeneDx Variant Classification Process June 2021. Collection method: clinical testing. Allele origin: germline. Affected: yes.
Comment: In silico analysis indicates that this missense variant does not alter protein structure/function; Has not been previously published as pathogenic or benign to our knowledge

Ambry Genetics
Classification: Uncertain significance for Primary ciliary dyskinesia. Last evaluated: 2024-05-24. Review status: criteria provided, single submitter. Criteria: Ambry Variant Classification Scheme 2023. Collection method: clinical testing. Allele origin: germline.

Labcorp Genetics (formerly Invitae), Labcorp
Classification: Uncertain significance for Primary ciliary dyskinesia. Last evaluated: 2021-09-01. Review status: criteria provided, single submitter. Criteria: Invitae Variant Classification Sherloc (09022015). Collection method: clinical testing. Allele origin: germline.
Comment: This sequence change replaces arginine with histidine at codon 1097 of the CCDC40 protein (p.Arg1097His). The arginine residue is moderately conserved and there is a small physicochemical difference between arginine and histidine. The frequency data for this variant in the population databases is considered unreliable, as metrics indicate poor data quality at this position in the ExAC database. This variant has not been reported in the literature in individuals affected with CCDC40-related conditions. Algorithms developed to predict the effect of missense changes on protein structure and function output the following: SIFT: "Deleterious"; PolyPhen-2: "Benign"; Align-GVGD: "Class C0". The histidine amino acid residue is found in multiple mammalian species, which suggests that this missense change does not adversely affect protein function. In summary, the available evidence is currently insufficient to determine the role of this variant in disease. Therefore, it has been classified as a Variant of Uncertain Significance.

NM_017950.4(CCDC40):c.3290G>A (p.Arg1097His)

Gene: CCDC40 (coiled-coil domain 40 molecular ruler complex subunit; plus strand). Cytogenetic location: 17q25.3.
Variant type: single nucleotide variant.
Coding change: c.3290G>A on transcript NM_017950.4 (MANE Select); coding-DNA position 3290, G replaced by A.
Protein change: p.Arg1097His; replaces arginine 1097 with histidine.
Molecular consequence: missense variant.
Genome position (GRCh38, 1-based): chr17:80,099,636, G>A. VCF-style: chr17-80099636-G-A. GRCh37 (hg19) VCF-style: chr17-78073435-G-A.
Other names: short protein forms R1097H.
Identifiers: ClinVar variation 660011 (VCV000660011.9), dbSNP rs777500902, ClinGen allele CA8814699.